The following is an entry in ClinVar:

NM_002693.3(POLG):c.3470A>C (p.Asn1157Thr)

Gene: POLG (DNA polymerase gamma, catalytic subunit; minus strand). Cytogenetic location: 15q26.1.
Variant type: single nucleotide variant.
Coding change: c.3470A>C on transcript NM_002693.3 (MANE Select); coding-DNA position 3470, A replaced by C.
Protein change: p.Asn1157Thr; replaces asparagine 1157 with threonine.
Molecular consequence: missense variant.
Genome position (GRCh38, 1-based): chr15:89,318,553, T>G on the plus strand (A>C on the coding strand, the complement: POLG is on the minus strand). VCF-style: chr15-89318553-T-G. GRCh37 (hg19) VCF-style: chr15-89861784-T-G.
Other names: c.3470A>C, p.Asn1157Thr (NM_001126131.2); short protein forms N1157T.
Identifiers: ClinVar variation 1209397 (VCV001209397.11), dbSNP rs548076633, ClinGen allele CA393749667.
Genomic context (GRCh38, chr15:89,318,553, plus strand): 5'-CCCACATAGGAGCACATGGCCAGGCTAGAGGCCATGGGCCCCGCATACCTGGTCAAGAGG[T>G]TGGTGATCTGCAAGGCCAGGGCAGCGCGGTAGCGGTCCTCCTCCCGCACCAGGTAGCGAA-3'
Protein context (NP_002684.1, residues 1147-1167): YRAALALQIT[Asn1157Thr]LLTRCMFAYK

ClinVar aggregate classification (germline): Uncertain significance. Review status: criteria provided, multiple submitters, no conflicts (2 of 4 stars). 3 submissions from 3 submitters: Uncertain significance (3). Last evaluated 2025-03-05.

Conditions:
Progressive sclerosing poliodystrophy (MTDPS4A). Also called: ALPERS PROGRESSIVE INFANTILE POLIODYSTROPHY; Alpers-Huttenlocher Syndrome (AHS); NEURONAL DEGENERATION OF CHILDHOOD WITH LIVER DISEASE, PROGRESSIVE; Mitochondrial DNA depletion syndrome 4A (Alpers type); Mitochondrial DNA Depletion Syndrome 4A; Alpers Syndrome. Identifiers: Orphanet 726, MedGen C0205710, MONDO:0008758, OMIM 203700.

Submissions (3):

Labcorp Genetics (formerly Invitae), Labcorp
Classification: Uncertain significance for Progressive sclerosing poliodystrophy. Last evaluated: 2025-03-05. Review status: criteria provided, single submitter. Criteria: Invitae Variant Classification Sherloc (09022015). Collection method: clinical testing. Allele origin: germline.
Comment: This sequence change replaces asparagine, which is neutral and polar, with threonine, which is neutral and polar, at codon 1157 of the POLG protein (p.Asn1157Thr). This variant is not present in population databases (gnomAD no frequency). This variant has not been reported in the literature in individuals affected with POLG-related conditions. ClinVar contains an entry for this variant (Variation ID: 1209397). Invitae Evidence Modeling of protein sequence and biophysical properties (such as structural, functional, and spatial information, amino acid conservation, physicochemical variation, residue mobility, and thermodynamic stability) indicates that this missense variant is expected to disrupt POLG protein function with a positive predictive value of 95%. In summary, the available evidence is currently insufficient to determine the role of this variant in disease. Therefore, it has been classified as a Variant of Uncertain Significance.

Women's Health and Genetics/Laboratory Corporation of America, LabCorp
Classification: Uncertain significance. Last evaluated: 2024-03-13. Review status: criteria provided, single submitter. Criteria: LabCorp Variant Classification Summary - May 2015. Collection method: clinical testing. Allele origin: germline.

GeneDx
Classification: Uncertain significance. Last evaluated: 2020-09-16. Review status: criteria provided, single submitter. Criteria: GeneDx Variant Classification Process June 2021. Collection method: clinical testing. Allele origin: germline. Affected: yes.
Comment: Not observed in large population cohorts (Lek et al., 2016); In silico analysis supports that this missense variant has a deleterious effect on protein structure/function; Has not been previously published as pathogenic or benign to our knowledge